The following is an entry in ClinVar:

ClinVar aggregate classification (germline): Conflicting classifications of pathogenicity. Review status: criteria provided, conflicting classifications (1 of 4 stars). 3 submissions from 3 submitters: Likely pathogenic (1); Uncertain significance (1). 1 of the submissions does not count toward it. Last evaluated 2025-11-24.

Submissions (3):

Labcorp Genetics (formerly Invitae), Labcorp
Classification: Uncertain significance. Last evaluated: 2025-11-24. Review status: criteria provided, single submitter. Criteria: Invitae Variant Classification Sherloc (09022015). Collection method: clinical testing. Allele origin: germline.
Comment: This sequence change replaces arginine, which is basic and polar, with glycine, which is neutral and non-polar, at codon 388 of the KRT14 protein (p.Arg388Gly). This variant is not present in population databases (gnomAD no frequency). This missense change has been observed in individual(s) with epidermolysis bullosa simplex (PMID: 20199538). ClinVar contains an entry for this variant (Variation ID: 66305). Invitae Evidence Modeling of protein sequence and biophysical properties (such as structural, functional, and spatial information, amino acid conservation, physicochemical variation, residue mobility, and thermodynamic stability) indicates that this missense variant is expected to disrupt KRT14 protein function with a positive predictive value of 80%. This variant disrupts the p.Arg388 amino acid residue in KRT14. Other variant(s) that disrupt this residue have been determined to be pathogenic (PMID: 12707098, 22832485). This suggests that this residue is clinically significant, and that variants that disrupt this residue are likely to be disease-causing. In summary, the available evidence is currently insufficient to determine the role of this variant in disease. Therefore, it has been classified as a Variant of Uncertain Significance.

GeneDx
Classification: Likely pathogenic. Last evaluated: 2023-11-05. Review status: criteria provided, single submitter. Criteria: GeneDx Variant Classification Process June 2021. Collection method: clinical testing. Allele origin: germline. Affected: yes.
Comment: Not observed at significant frequency in large population cohorts (gnomAD); In silico analysis supports that this missense variant has a deleterious effect on protein structure/function; This variant is associated with the following publications: (PMID: 25017986, 20199538)

Epithelial Biology;  Institute of Medical Biology, Singapore
No classification provided. Review status: no classification provided. Collection method: not provided. Allele origin: not provided. Not counted in ClinVar's aggregate classification.

Literature cited by the submitters: PubMed 20199538 (cited by Labcorp Genetics (formerly Invitae), Labcorp); PubMed 12707098 (cited by Labcorp Genetics (formerly Invitae), Labcorp); PubMed 22832485 (cited by Labcorp Genetics (formerly Invitae), Labcorp).

NM_000526.5(KRT14):c.1162C>G (p.Arg388Gly)

Gene: KRT14 (keratin 14; minus strand). Cytogenetic location: 17q21.2.
Variant type: single nucleotide variant.
Coding change: c.1162C>G on transcript NM_000526.5 (MANE Select); coding-DNA position 1162, C replaced by G.
Protein change: p.Arg388Gly; replaces arginine 388 with glycine.
Molecular consequence: missense variant.
Genome position (GRCh38, 1-based): chr17:41,583,347, G>C on the plus strand (C>G on the coding strand, the complement: KRT14 is on the minus strand). VCF-style: chr17-41583347-G-C. GRCh37 (hg19) VCF-style: chr17-39739599-G-C.
Other names: short protein forms R388G.
Identifiers: ClinVar variation 66305 (VCV000066305.3), dbSNP rs59966597, ClinGen allele CA216829.
Genomic context (GRCh38, chr17:41,583,347, plus strand): 5'-GCCGCGTCTTCACGTCCAGCAGGATCTTGTACTCCTGGTTCTGCTGCTCCATCTCGCAGC[G>C]GAGCTGGGCCAGCTGCTCCTCCACGCTGCCAATCATCTCCTGGATCTGGGCCAGCTGCAT-3'
Protein context (NP_000517.3, residues 378-398): GSVEEQLAQL[Arg388Gly]CEMEQQNQEY